The following is an entry in ClinVar:

ClinVar aggregate classification (germline): Conflicting classifications of pathogenicity. Review status: criteria provided, conflicting classifications (1 of 4 stars). 2 submissions from 2 submitters: Uncertain significance (1); Likely benign (1). Last evaluated 2026-05-01.

Conditions:
Anemia, nonspherocytic hemolytic, due to G6PD deficiency (CNSHA1). Also called: ANEMIA, CONGENITAL, NONSPHEROCYTIC HEMOLYTIC, 1; Class I glucose-6-phosphate dehydrogenase deficiency; Favism, susceptibility to; Hemolytic anemia due to G6PD deficiency. Identifiers: Orphanet 466026, MedGen C2720289, MONDO:0010480, OMIM 300908.

Allele frequency attached by ClinVar (database versions not stated): gnomAD exomes below 0.00001; gnomAD 0.00002.
gnomAD v4.1: 4 of 1,206,753 alleles (0.00033%); highest among the groups gnomAD compares: Non-Finnish European, 0.00045%; no homozygotes.

Submissions (2):

CeGaT Center for Human Genetics Tuebingen
Classification: Uncertain significance. Last evaluated: 2026-05-01. Review status: criteria provided, single submitter. Criteria: CeGaT Center For Human Genetics Tuebingen Variant Classification Criteria Version 2. Collection method: clinical testing. Allele origin: germline. Affected: yes. Observed: 1 variant allele.
Comment: G6PD: PM2

Labcorp Genetics (formerly Invitae), Labcorp
Classification: Likely benign for Anemia, nonspherocytic hemolytic, due to G6PD deficiency. Last evaluated: 2025-08-25. Review status: criteria provided, single submitter. Criteria: Invitae Variant Classification Sherloc (09022015). Collection method: clinical testing. Allele origin: germline.

NM_001360016.2(G6PD):c.261C>T (p.Phe87=)

Gene: G6PD (glucose-6-phosphate dehydrogenase; minus strand). Cytogenetic location: Xq28.
Variant type: single nucleotide variant.
Coding change: c.261C>T on transcript NM_001360016.2 (MANE Select); coding-DNA position 261, C replaced by T.
Protein change: p.Phe87=; no amino-acid change (phenylalanine 87 retained).
Molecular consequence: synonymous variant.
Genome position (GRCh38, 1-based): chrX:154,535,943, G>A on the plus strand (C>T on the coding strand, the complement: G6PD is on the minus strand). VCF-style: chrX-154535943-G-A. GRCh37 (hg19) VCF-style: chrX-153764158-G-A.
Other names: c.351C>T, p.Phe117= (NM_000402.4); c.261C>T, p.Phe87= (NM_001042351.3).
Identifiers: ClinVar variation 2170569 (VCV002170569.5), dbSNP rs1557230750, ClinGen allele CA519308612.